The following is an entry in ClinVar:

ClinVar aggregate classification (germline): Pathogenic (1 of 4 stars; one submission).

Conditions:
Tuberous sclerosis 1 (TSC1). Identifiers: Orphanet 805, MedGen C1854465, MONDO:0008612, OMIM 191100.

Submission:

Labcorp Genetics (formerly Invitae), Labcorp
Classification: Pathogenic for Tuberous sclerosis 1. Last evaluated: 2021-11-13. Review status: criteria provided, single submitter. Criteria: Invitae Variant Classification Sherloc (09022015). Collection method: clinical testing. Allele origin: germline.
Comment: For these reasons, this variant has been classified as Pathogenic. This variant has not been reported in the literature in individuals affected with TSC1-related conditions. This variant is not present in population databases (gnomAD no frequency). This sequence change creates a premature translational stop signal (p.Glu478*) in the TSC1 gene. It is expected to result in an absent or disrupted protein product. Loss-of-function variants in TSC1 are known to be pathogenic (PMID: 10227394, 17304050).

Literature cited by the submitters: PubMed 10227394; PubMed 17304050.

NM_000368.5(TSC1):c.1432G>T (p.Glu478Ter)

Gene: TSC1 (TSC complex subunit 1; minus strand). Cytogenetic location: 9q34.13.
Variant type: single nucleotide variant.
Coding change: c.1432G>T on transcript NM_000368.5 (MANE Select); coding-DNA position 1432, G replaced by T.
Protein change: p.Glu478Ter; replaces glutamic acid 478 with a stop codon.
Molecular consequence: nonsense.
Genome position (GRCh38, 1-based): chr9:132,906,737, C>A on the plus strand (G>T on the coding strand, the complement: TSC1 is on the minus strand). VCF-style: chr9-132906737-C-A. GRCh37 (hg19) VCF-style: chr9-135782124-C-A.
Other names: c.1429G>T, p.Glu477Ter (NM_001162426.2); c.1279G>T, p.Glu427Ter (NM_001162427.2); c.1069G>T, p.Glu357Ter (NM_001362177.2); short protein forms E478*, E357*, E427*, E477*.
Identifiers: ClinVar variation 1418691 (VCV001418691.6), dbSNP rs1393065957, ClinGen allele CA375365758.